The following is an entry in ClinVar:

NM_003809.3(TNFSF12):c.613C>A (p.Pro205Thr)

Genes: TNFSF12 (TNF superfamily member 12; plus strand), TNFSF12-TNFSF13 (TNFSF12-TNFSF13 readthrough; plus strand). Cytogenetic location: 17p13.1.
Variant type: single nucleotide variant.
Coding change: c.613C>A on transcript NM_003809.3 (MANE Select); coding-DNA position 613, C replaced by A.
Protein change: p.Pro205Thr; replaces proline 205 with threonine.
Molecular consequence: missense variant. On other transcripts: non-coding transcript variant (1), intron variant (1).
Genome position (GRCh38, 1-based): chr17:7,557,213, C>A. VCF-style: chr17-7557213-C-A. GRCh37 (hg19) VCF-style: chr17-7460530-C-A.
Other names: c.498+311C>A (NM_172089.4); short protein forms P205T.
Identifiers: ClinVar variation 4728180 (VCV004728180.1).

ClinVar aggregate classification (germline): Uncertain significance (1 of 4 stars; one submission).

Conditions:
Common variable immunodeficiency (CVID). Also called: Common variable hypogamma-globulinemia; Common variable agammaglobulinemia. Identifiers: Orphanet 1572, MedGen C0009447, MONDO:0015517.

Submission:

Labcorp Genetics (formerly Invitae), Labcorp
Classification: Uncertain significance for Common variable immunodeficiency. Last evaluated: 2025-10-10. Review status: criteria provided, single submitter. Criteria: Invitae Variant Classification Sherloc (09022015). Collection method: clinical testing. Allele origin: germline.
Comment: This sequence change replaces proline, which is neutral and non-polar, with threonine, which is neutral and polar, at codon 205 of the TNFSF12 protein (p.Pro205Thr). This variant is not present in population databases (gnomAD no frequency). This variant has not been reported in the literature in individuals affected with TNFSF12-related conditions. An algorithm developed to predict the effect of missense changes on protein structure and function (PolyPhen-2) suggests that this variant is likely to be disruptive. In summary, the available evidence is currently insufficient to determine the role of this variant in disease. Therefore, it has been classified as a Variant of Uncertain Significance.